The following is an entry in ClinVar:

NM_001698.3(AUH):c.795C>T (p.Asp265=)

Gene: AUH (AU RNA binding methylglutaconyl-CoA hydratase; minus strand). Cytogenetic location: 9q22.31.
Variant type: single nucleotide variant.
Coding change: c.795C>T on transcript NM_001698.3 (MANE Select); coding-DNA position 795, C replaced by T.
Protein change: p.Asp265=; no amino-acid change (aspartic acid 265 retained).
Molecular consequence: synonymous variant.
Genome position (GRCh38, 1-based): chr9:91,220,853, G>A on the plus strand (C>T on the coding strand, the complement: AUH is on the minus strand). VCF-style: chr9-91220853-G-A. GRCh37 (hg19) VCF-style: chr9-93983135-G-A.
Other names: c.708C>T, p.Asp236= (NM_001306190.2); c.468C>T, p.Asp156= (NM_001351431.2, NM_001351432.2, NM_001351433.2).
Identifiers: ClinVar variation 258171 (VCV000258171.33), dbSNP rs761573002, ClinGen allele CA5119738.

ClinVar aggregate classification (germline): Likely benign. Review status: criteria provided, multiple submitters, no conflicts (2 of 4 stars). 4 submissions from 4 submitters: Likely benign (4). Last evaluated 2025-09-29.

Conditions:
3-methylglutaconic aciduria type 1 (MGCA1). Identifiers: Orphanet 67046, MedGen C0342727, MONDO:0009610, OMIM 250950.

Allele frequency attached by ClinVar (database versions not stated): gnomAD 0.00005; TOPMed 0.00005; gnomAD exomes 0.00010; ExAC 0.00012.
gnomAD v4.1: 148 of 1,614,102 alleles (0.0092%); highest among the groups gnomAD compares: Middle Eastern, 0.016%; 1 homozygote.

Submissions (4):

Labcorp Genetics (formerly Invitae), Labcorp
Classification: Likely benign for 3-methylglutaconic aciduria type 1. Last evaluated: 2025-09-29. Review status: criteria provided, single submitter. Criteria: Invitae Variant Classification Sherloc (09022015). Collection method: clinical testing. Allele origin: germline.

Blueprint Genetics
Classification: Likely benign. Last evaluated: 2024-09-30. Review status: criteria provided, single submitter. Criteria: ACMG Guidelines, 2015. Collection method: clinical testing. Allele origin: germline.

CeGaT Center for Human Genetics Tuebingen
Classification: Likely benign. Last evaluated: 2024-02-01. Review status: criteria provided, single submitter. Criteria: CeGaT Center For Human Genetics Tuebingen Variant Classification Criteria Version 2. Collection method: clinical testing. Allele origin: germline. Affected: yes. Observed: 1 variant allele.
Comment: AUH: BP4, BP7

PreventionGenetics, part of Exact Sciences
Classification: Likely benign. Review status: criteria provided, single submitter. Criteria: ACMG Guidelines, 2015. Collection method: clinical testing. Allele origin: germline.